The following is an entry in ClinVar:

NM_145166.4(ZBTB47):c.2144G>C (p.Gly715Ala)

Gene: ZBTB47 (zinc finger and BTB domain containing 47; plus strand). Cytogenetic location: 3p22.1.
Variant type: single nucleotide variant.
Coding change: c.2144G>C on transcript NM_145166.4 (MANE Select); coding-DNA position 2144, G replaced by C.
Protein change: p.Gly715Ala; replaces glycine 715 with alanine.
Molecular consequence: missense variant.
Genome position (GRCh38, 1-based): chr3:42,664,498, G>C. VCF-style: chr3-42664498-G-C. GRCh37 (hg19) VCF-style: chr3-42705990-G-C.
Other names: c.2228G>C, p.Gly743Ala (NM_001410746.1); short protein forms G715A, G743A.
Identifiers: ClinVar variation 5018255 (VCV005018255.1).

ClinVar aggregate classification (germline): Uncertain significance (1 of 4 stars; one submission).

Submission:

GeneDx
Classification: Uncertain significance. Last evaluated: 2026-04-06. Review status: criteria provided, single submitter. Criteria: GeneDx Variant Classification Process June 2021. Collection method: clinical testing. Allele origin: germline.
Comment: Not observed at significant frequency in large population cohorts (gnomAD); In silico analysis suggests that this missense variant does not alter protein structure/function; Has not been previously published as pathogenic or benign to our knowledge